The following is an entry in ClinVar:

ClinVar aggregate classification (germline): Pathogenic (1 of 4 stars; one submission).

Conditions:
Hereditary cancer-predisposing syndrome. Also called: Tumor predisposition; Hereditary neoplastic syndrome; Hereditary Cancer Syndrome; Neoplastic Syndromes, Hereditary. Identifiers: Orphanet 140162, MedGen C0027672, MeSH D009386, MONDO:0015356.

Submission:

Ambry Genetics
Classification: Pathogenic for Hereditary cancer-predisposing syndrome. Last evaluated: 2023-12-28. Review status: criteria provided, single submitter. Criteria: Ambry Variant Classification Scheme 2023. Collection method: clinical testing. Allele origin: germline.
Comment: The c.166_167delAG pathogenic mutation, located in coding exon 1 of the CDKN1B gene, results from a deletion of two nucleotides at nucleotide positions 166 to 167, causing a translational frameshift with a predicted alternate stop codon (p.S56Pfs*68). This alteration is expected to result in loss of function by premature protein truncation or nonsense-mediated mRNA decay. As such, this alteration is interpreted as a disease-causing mutation.

NM_004064.5(CDKN1B):c.166_167del (p.Ser56fs)

Gene: CDKN1B (cyclin dependent kinase inhibitor 1B; plus strand). Cytogenetic location: 12p13.1.
Variant type: Deletion.
Coding change: c.166_167del on transcript NM_004064.5 (MANE Select); coding-DNA positions 166 to 167, 2 bases deleted (AG; older notation c.166_167delAG).
Protein change: p.Ser56fs; shifts the reading frame from serine 56.
Molecular consequence: frameshift variant.
Genome position (GRCh38, 1-based): chr12:12,718,005-12,718,006, AG deleted; deleting any 2 consecutive bases within chr12:12,718,004-12,718,006 gives the same sequence; the c. name uses the placement nearest the transcript's 3' end. VCF-style (leftmost placement, unchanged base first): chr12-12718003-CGA-C. GRCh37 (hg19) VCF-style: chr12-12870937-CGA-C.
Other names: short protein forms S56fs.
Identifiers: ClinVar variation 3223672 (VCV003223672.1), dbSNP rs2497404386, ClinGen allele CA2825002044.